The following is an entry in ClinVar:

NM_001387430.1(SH2B1):c.796G>C (p.Ala266Pro)

Gene: SH2B1 (SH2B adaptor protein 1; plus strand). Cytogenetic location: 16p11.2.
Variant type: single nucleotide variant.
Coding change: c.796G>C on transcript NM_001387430.1 (MANE Select); coding-DNA position 796, G replaced by C.
Protein change: p.Ala266Pro; replaces alanine 266 with proline.
Molecular consequence: missense variant. On other transcripts: intron variant (1).
Genome position (GRCh38, 1-based): chr16:28,866,890, G>C. VCF-style: chr16-28866890-G-C. GRCh37 (hg19) VCF-style: chr16-28878211-G-C.
Other names: c.796G>C, p.Ala266Pro (NM_001145795.2, NM_001145796.2, NM_001145797.2 and 4 more transcripts); c.-26-484G>C (NM_001308294.2); short protein forms A266P.
Identifiers: ClinVar variation 4583085 (VCV004583085.2).

ClinVar aggregate classification (germline): Uncertain significance. Review status: criteria provided, multiple submitters, no conflicts (2 of 4 stars). 2 submissions from 2 submitters: Uncertain significance (2). Last evaluated 2026-03-26.

Conditions:
SH2B1-related disorder. Also called: SH2B1-related condition.

gnomAD v4.1: 10 of 1,611,838 alleles (0.00062%); highest among the groups gnomAD compares: African/African-American, 0.0013%; no homozygotes.

Submissions (2):

PreventionGenetics, part of Exact Sciences
Classification: Uncertain significance for SH2B1-related condition. Last evaluated: 2026-03-26. Review status: criteria provided, single submitter. Criteria: ACMG Guidelines, 2015. Collection method: clinical testing. Allele origin: germline.
Comment: The SH2B1 c.796G>C variant is predicted to result in the amino acid substitution p.Ala266Pro. To our knowledge, this variant has not been reported in the literature. This variant is reported in 0.00091% of alleles in individuals of European (Non-Finnish) descent in gnomAD. At this time, the clinical significance of this variant is uncertain due to the absence of conclusive functional and genetic evidence.

Ambry Genetics
Classification: Uncertain significance. Last evaluated: 2025-10-22. Review status: criteria provided, single submitter. Criteria: Ambry Variant Classification Scheme 2023. Collection method: clinical testing. Allele origin: germline.